The following is an entry in ClinVar:

NM_198512.3(DGAT2L6):c.684C>T (p.Asn228=)

Gene: DGAT2L6 (diacylglycerol O-acyltransferase 2 like 6; plus strand). Cytogenetic location: Xq13.1.
Variant type: single nucleotide variant.
Coding change: c.684C>T on transcript NM_198512.3 (MANE Select); coding-DNA position 684, C replaced by T.
Protein change: p.Asn228=; no amino-acid change (asparagine 228 retained).
Molecular consequence: synonymous variant.
Genome position (GRCh38, 1-based): chrX:70,204,341, C>T. VCF-style: chrX-70204341-C-T. GRCh37 (hg19) VCF-style: chrX-69424191-C-T.
Identifiers: ClinVar variation 2660804 (VCV002660804.24), dbSNP rs375294743, ClinGen allele CA10439742.
Genomic context (GRCh38, chrX:70,204,341, plus strand): 5'-ACACTCCTGCCCCTCTCTTTGCAGGGCATACCTTGTCCCTTCATATTCCTTTGGTGAGAA[C>T]GAAGTTTTCAATCAGGAGACCTTCCCTGAGGGCACGTGGTTAAGGTTGTTCCAAAAAACC-3'
Protein context (NP_940914.1, residues 218-238): YLVPSYSFGE[Asn228=]EVFNQETFPE

ClinVar aggregate classification (germline): Likely benign (1 of 4 stars; one submission).

Allele frequency attached by ClinVar (database versions not stated): gnomAD 0.00017; TOPMed 0.00017; ESP Exome Variant Server 0.00038; ExAC 0.00065; 1000 Genomes Project 30x 0.00083; 1000 Genomes Project 0.00106.
gnomAD v4.1: 181 of 1,207,404 alleles (0.015%); highest among the groups gnomAD compares: South Asian, 0.22%; 1 homozygote.

Submission:

CeGaT Center for Human Genetics Tuebingen
Classification: Likely benign. Last evaluated: 2022-09-01. Review status: criteria provided, single submitter. Criteria: CeGaT Center For Human Genetics Tuebingen Variant Classification Criteria Version 2. Collection method: clinical testing. Allele origin: germline. Affected: yes. Observed: 1 variant allele.
Comment: DGAT2L6: BP4, BP7